The following is an entry in ClinVar:

ClinVar aggregate classification (germline): Uncertain significance (1 of 4 stars; one submission).

Conditions:
Encephalopathy, acute, infection-induced (herpes-specific), susceptibility to, 6. Also called: Herpes simplex encephalitis, susceptibility to, 4. Identifiers: Orphanet 1930, MedGen C3553869, MONDO:0013921, OMIM 614850.

Allele frequency attached by ClinVar (database versions not stated): TOPMed 0.00001; gnomAD 0.00004 and 0.00003; gnomAD exomes 0.00011 and 0.00004; ExAC 0.00010.
gnomAD v4.1: 62 of 1,613,090 alleles (0.0038%); highest among the groups gnomAD compares: Non-Finnish European, 0.00017%; no homozygotes.

Submission:

Labcorp Genetics (formerly Invitae), Labcorp
Classification: Uncertain significance for Encephalopathy, acute, infection-induced (herpes-specific), susceptibility to, 6. Last evaluated: 2020-08-26. Review status: criteria provided, single submitter. Criteria: Invitae Variant Classification Sherloc (09022015). Collection method: clinical testing. Allele origin: germline.
Comment: In summary, the available evidence is currently insufficient to determine the role of this variant in disease. Therefore, it has been classified as a Variant of Uncertain Significance. Algorithms developed to predict the effect of missense changes on protein structure and function (SIFT, PolyPhen-2, Align-GVGD) all suggest that this variant is likely to be tolerated, but these predictions have not been confirmed by published functional studies and their clinical significance is uncertain. This variant has not been reported in the literature in individuals with TICAM1-related conditions. This variant is present in population databases (rs200885543, ExAC 0.1%). This sequence change replaces alanine with valine at codon 374 of the TICAM1 protein (p.Ala374Val). The alanine residue is weakly conserved and there is a small physicochemical difference between alanine and valine.

NM_182919.4(TICAM1):c.1121C>T (p.Ala374Val)

Gene: TICAM1 (TIR domain containing adaptor molecule 1; minus strand). Cytogenetic location: 19p13.3.
Variant type: single nucleotide variant.
Coding change: c.1121C>T on transcript NM_182919.4 (MANE Select); coding-DNA position 1121, C replaced by T.
Protein change: p.Ala374Val; replaces alanine 374 with valine.
Molecular consequence: missense variant.
Genome position (GRCh38, 1-based): chr19:4,817,257, G>A on the plus strand (C>T on the coding strand, the complement: TICAM1 is on the minus strand). VCF-style: chr19-4817257-G-A. GRCh37 (hg19) VCF-style: chr19-4817269-G-A.
Other names: c.1079C>T, p.Ala360Val (NM_001385678.1); c.986C>T, p.Ala329Val (NM_001385679.1); c.479C>T, p.Ala160Val (NM_001385680.1); short protein forms A160V, A329V, A360V, A374V.
Identifiers: ClinVar variation 1054098 (VCV001054098.7), dbSNP rs200885543, ClinGen allele CA9105197.